The following is an entry in ClinVar:

NM_144573.4(NEXN):c.1948G>A (p.Gly650Arg)

Gene: NEXN (nexilin F-actin binding protein; plus strand). Cytogenetic location: 1p31.1.
Variant type: single nucleotide variant.
Coding change: c.1948G>A on transcript NM_144573.4 (MANE Select); coding-DNA position 1948, G replaced by A.
Protein change: p.Gly650Arg; replaces glycine 650 with arginine.
Molecular consequence: missense variant.
Genome position (GRCh38, 1-based): chr1:77,942,749, G>A. VCF-style: chr1-77942749-G-A. GRCh37 (hg19) VCF-style: chr1-78408434-G-A.
Other names: c.1756G>A, p.Gly586Arg (NM_001172309.2); short protein forms G586R, G650R.
Identifiers: ClinVar variation 2625960 (VCV002625960.2), dbSNP rs2523312492, ClinGen allele CA340883252.

ClinVar aggregate classification (germline): Uncertain significance (1 of 4 stars; one submission).

Conditions:
Cardiovascular phenotype. Identifiers: MedGen CN230736.

Allele frequency attached by ClinVar (database versions not stated): gnomAD exomes below 0.00001.
gnomAD v4.1: 1 of 1,613,742 alleles (0.000062%); highest among the groups gnomAD compares: South Asian, 0.0011%; no homozygotes.

Submission:

Ambry Genetics
Classification: Uncertain significance for Cardiovascular phenotype. Last evaluated: 2023-08-03. Review status: criteria provided, single submitter. Criteria: Ambry Variant Classification Scheme 2023. Collection method: clinical testing. Allele origin: germline.
Comment: The p.G650R variant (also known as c.1948G>A), located in coding exon 12 of the NEXN gene, results from a G to A substitution at nucleotide position 1948. The glycine at codon 650 is replaced by arginine, an amino acid with dissimilar properties. This amino acid position is conserved. In addition, this alteration is predicted to be deleterious by in silico analysis. Since supporting evidence is limited at this time, the clinical significance of this alteration remains unclear.